The following is an entry in ClinVar:

NM_201596.3(CACNB2):c.804+9A>G

Gene: CACNB2 (calcium voltage-gated channel auxiliary subunit beta 2; plus strand). Cytogenetic location: 10p12.31.
Variant type: single nucleotide variant.
Coding change: c.804+9A>G on transcript NM_201596.3 (MANE Select); 9 bases into the intron after coding-DNA position 804, A replaced by G.
Molecular consequence: intron variant.
Genome position (GRCh38, 1-based): chr10:18,514,378, A>G. VCF-style: chr10-18514378-A-G. GRCh37 (hg19) VCF-style: chr10-18803307-A-G.
Other names: c.720+9A>G (NM_201571.4); c.587-133A>G (NM_001167945.2); c.587-602A>G (NM_201572.4); c.671-133A>G (NM_201593.3); c.671-602A>G (NM_201597.3); c.639+9A>G (NM_000724.4); c.506-133A>G (NM_001330060.2); c.642+9A>G (NM_201590.3); and 2 more.
Identifiers: ClinVar variation 4990157 (VCV004990157.1).

ClinVar aggregate classification (germline): Likely benign (1 of 4 stars; one submission).

Conditions:
CACNB2-related disorder. Also called: CACNB2-related condition.

Submission:

PreventionGenetics, part of Exact Sciences
Classification: Likely benign for CACNB2-related condition. Last evaluated: 2026-02-06. Review status: criteria provided, single submitter. Criteria: ACMG Guidelines, 2015. Collection method: clinical testing. Allele origin: germline.
Comment: This variant is classified as likely benign based on ACMG/AMP sequence variant interpretation guidelines (Richards et al. 2015 PMID: 25741868, with internal and published modifications).